The following is an entry in ClinVar:

NM_005612.5(REST):c.1798C>G (p.Pro600Ala)

Gene: REST (RE1 silencing transcription factor; plus strand). Cytogenetic location: 4q12.
Variant type: single nucleotide variant.
Coding change: c.1798C>G on transcript NM_005612.5 (MANE Select); coding-DNA position 1798, C replaced by G.
Protein change: p.Pro600Ala; replaces proline 600 with alanine.
Molecular consequence: missense variant.
Genome position (GRCh38, 1-based): chr4:56,930,656, C>G. VCF-style: chr4-56930656-C-G. GRCh37 (hg19) VCF-style: chr4-57796822-C-G.
Other names: c.1798C>G, p.Pro600Ala (NM_001193508.2, NM_001363453.3); short protein forms P600A.
Identifiers: ClinVar variation 1430292 (VCV001430292.8), dbSNP rs748370783, ClinGen allele CA2932324.

ClinVar aggregate classification (germline): Uncertain significance (1 of 4 stars; one submission).

Allele frequency attached by ClinVar (database versions not stated): gnomAD exomes 0.00002 and 0.00006; TOPMed 0.00002; ExAC 0.00003; gnomAD 0.00003 and 0.00004.
gnomAD v4.1: 84 of 1,613,648 alleles (0.0052%); highest among the groups gnomAD compares: Non-Finnish European, 0.0069%; no homozygotes.

Submission:

Labcorp Genetics (formerly Invitae), Labcorp
Classification: Uncertain significance. Last evaluated: 2025-11-28. Review status: criteria provided, single submitter. Criteria: Invitae Variant Classification Sherloc (09022015). Collection method: clinical testing. Allele origin: germline.
Comment: This sequence change replaces proline, which is neutral and non-polar, with alanine, which is neutral and non-polar, at codon 600 of the REST protein (p.Pro600Ala). This variant is present in population databases (rs748370783, gnomAD 0.007%). This variant has not been reported in the literature in individuals affected with REST-related conditions. ClinVar contains an entry for this variant (Variation ID: 1430292). An algorithm developed to predict the effect of missense changes on protein structure and function outputs the following: PolyPhen-2: "Benign". The alanine amino acid residue is found in multiple mammalian species, which suggests that this missense change does not adversely affect protein function. In summary, the available evidence is currently insufficient to determine the role of this variant in disease. Therefore, it has been classified as a Variant of Uncertain Significance.